The following is an entry in ClinVar:

ClinVar aggregate classification (germline): Benign/Likely benign. Review status: criteria provided, multiple submitters, no conflicts (2 of 4 stars). 5 submissions from 5 submitters: Benign (1); Likely benign (4). Last evaluated 2025-05-20.

Conditions:
Juvenile polyposis syndrome (JPS). Identifiers: Orphanet 2929, MedGen C0345893, MONDO:0017380, OMIM 174900.
Hereditary cancer-predisposing syndrome. Also called: Hereditary Cancer Syndrome; Neoplastic Syndromes, Hereditary; Hereditary neoplastic syndrome; Tumor predisposition. Identifiers: Orphanet 140162, MedGen C0027672, MeSH D009386, MONDO:0015356.

Allele frequency attached by ClinVar (database versions not stated): TOPMed below 0.00001; gnomAD 0.00001.
gnomAD v4.1: 1 of 1,614,050 alleles (0.000062%); highest among the groups gnomAD compares: Non-Finnish European, 0.000085%; no homozygotes.

Submissions (5):

Color Diagnostics, LLC DBA Color Health
Classification: Likely benign for Hereditary cancer-predisposing syndrome. Last evaluated: 2025-05-20. Review status: criteria provided, single submitter. Criteria: ACMG Guidelines, 2015. Collection method: clinical testing. Allele origin: germline.

Center for Genomic Medicine, Rigshospitalet, Copenhagen University Hospital
Classification: Likely benign. Last evaluated: 2025-03-04. Review status: criteria provided, single submitter. Criteria: ACMG Guidelines, 2015. Collection method: clinical testing. Allele origin: germline.

Ambry Genetics
Classification: Likely benign for Hereditary cancer-predisposing syndrome. Last evaluated: 2024-08-24. Review status: criteria provided, single submitter. Criteria: Ambry Variant Classification Scheme 2023. Collection method: clinical testing. Allele origin: germline.

Myriad Genetics, Inc.
Classification: Benign for Juvenile polyposis syndrome. Last evaluated: 2024-08-05. Review status: criteria provided, single submitter. Criteria: Myriad Autosomal Dominant, Autosomal Recessive and X-Linked Classification Criteria (2023). Collection method: clinical testing. Allele origin: unknown.
Comment: This variant is considered benign. This variant is a silent/synonymous amino acid change and it is not expected to impact splicing.

Labcorp Genetics (formerly Invitae), Labcorp
Classification: Likely benign for Juvenile polyposis syndrome. Last evaluated: 2024-03-01. Review status: criteria provided, single submitter. Criteria: Invitae Variant Classification Sherloc (09022015). Collection method: clinical testing. Allele origin: germline.

NM_004329.3(BMPR1A):c.825A>C (p.Thr275=)

Gene: BMPR1A (bone morphogenetic protein receptor type 1A; plus strand). Cytogenetic location: 10q23.2.
Variant type: single nucleotide variant.
Coding change: c.825A>C on transcript NM_004329.3 (MANE Select); coding-DNA position 825, A replaced by C.
Protein change: p.Thr275=; no amino-acid change (threonine 275 retained).
Molecular consequence: synonymous variant.
Genome position (GRCh38, 1-based): chr10:86,917,283, A>C. VCF-style: chr10-86917283-A-C. GRCh37 (hg19) VCF-style: chr10-88677040-A-C.
Other names: c.825A>C (NM_004329.2).
Identifiers: ClinVar variation 1650440 (VCV001650440.17), dbSNP rs1345972234, ClinGen allele CA470308089.
Genomic context (GRCh38, chr10:86,917,283, plus strand): 5'-CGAAAAAGTGGCGGTGAAAGTATTCTTTACCACTGAAGAAGCCAGCTGGTTTCGAGAAAC[A>C]GAAATCTACCAAACTGTGCTAATGCGCCATGAAAACATACTTGGTGGGTACACACTGATT-3'
Protein context (NP_004320.2, residues 265-285): TTEEASWFRE[Thr275=]EIYQTVLMRH